The following is an entry in ClinVar:

ClinVar aggregate classification (germline): Likely benign. Review status: criteria provided, single submitter (1 of 4 stars). 2 submissions from 2 submitters: Likely benign (1). 1 of the submissions does not count toward it. Last evaluated 2026-01-08.

Conditions:
CFAP418-related disorder. Also called: CFAP418-related condition.

Allele frequency attached by ClinVar (database versions not stated): TOPMed below 0.00001; ExAC 0.00001; gnomAD exomes 0.00001.

Submissions (2):

Labcorp Genetics (formerly Invitae), Labcorp
Classification: Likely benign. Last evaluated: 2026-01-08. Review status: criteria provided, single submitter. Criteria: Invitae Variant Classification Sherloc (09022015). Collection method: clinical testing. Allele origin: germline.

PreventionGenetics, part of Exact Sciences
Classification: Likely benign for CFAP418-related condition. Last evaluated: 2021-11-02. Review status: no assertion criteria provided. Collection method: clinical testing. Allele origin: germline. Not counted in ClinVar's aggregate classification.
Comment: This variant is classified as likely benign based on ACMG/AMP sequence variant interpretation guidelines (Richards et al. 2015 PMID: 25741868, with internal and published modifications).

NM_177965.4(CFAP418):c.150G>A (p.Thr50=)

Genes: CFAP418 (cilia and flagella associated protein 418; minus strand), CFAP418-AS1 (CFAP418 antisense RNA 1; plus strand), LOC130000784 (ATAC-STARR-seq lymphoblastoid active region 27655; plus strand). Cytogenetic location: 8q22.1.
Variant type: single nucleotide variant.
Coding change: c.150G>A on transcript NM_177965.4 (MANE Select); coding-DNA position 150, G replaced by A.
Protein change: p.Thr50=; no amino-acid change (threonine 50 retained).
Molecular consequence: synonymous variant.
Genome position (GRCh38, 1-based): chr8:95,269,040, C>T on the plus strand (G>A on the coding strand, the complement: CFAP418 is on the minus strand). VCF-style: chr8-95269040-C-T. GRCh37 (hg19) VCF-style: chr8-96281268-C-T.
Other names: c.150G>A, p.Thr50= (NM_001363260.1).
Identifiers: ClinVar variation 3051008 (VCV003051008.3), dbSNP rs778753815, ClinGen allele CA4815256.
Genomic context (GRCh38, chr8:95,269,040, plus strand): 5'-CTAGGGCCTGGAGCAGGGCTTTACCAGAACAGTCCACCCCTCCCGCCCGGTTAACCTGAG[C>T]GTCTCTTTCGCCTTGGCTTGGTTCCGGTCGCTACTGTGGGTGCCGCCGCCGCAGCCTTTG-3'
Protein context (NP_808880.1, residues 40-60): SDRNQAKAKE[Thr50=]LRSTETFKKE